The following is an entry in ClinVar:

ClinVar aggregate classification (germline): Uncertain significance (1 of 4 stars; one submission).

Allele frequency attached by ClinVar (database versions not stated): gnomAD exomes below 0.00001.
gnomAD v4.1: 2 of 1,614,236 alleles (0.00012%); highest among the groups gnomAD compares: Non-Finnish European, 0.00017%; no homozygotes.

Submission:

GeneDx
Classification: Uncertain significance. Last evaluated: 2017-10-09. Review status: criteria provided, single submitter. Criteria: GeneDx Variant Classification (06012015). Collection method: clinical testing. Allele origin: germline. Affected: yes.
Comment: The S422F variant in the GATA4 gene has not been reported previously as a pathogenic variant, nor as a benign variant, to our knowledge. The S422F variant is not observed in large population cohorts (Lek et al., 2016). The S422F variant is a non-conservative amino acid substitution, which is likely to impact secondary protein structure as these residues differ in polarity, charge, size and/or other properties. This substitution occurs at a position where amino acids with similar properties to Serine are tolerated across species. In silico analysis is inconsistent in its predictions as to whether or not the variant is damaging to the protein structure/function. We interpret S422F as a variant of uncertain significance,

NM_001308093.3(GATA4):c.1268C>T (p.Ser423Phe)

Gene: GATA4 (GATA binding protein 4). Cytogenetic location: 8p23.1.
Variant type: single nucleotide variant.
Coding change: c.1268C>T on transcript NM_001308093.3 (MANE Select); coding-DNA position 1268, C replaced by T.
Protein change: p.Ser423Phe; replaces serine 423 with phenylalanine.
Molecular consequence: missense variant.
Genome position (GRCh38, 1-based): chr8:11,758,411, C>T. VCF-style: chr8-11758411-C-T. GRCh37 (hg19) VCF-style: chr8-11615920-C-T.
Other names: c.647C>T, p.Ser216Phe (NM_001308094.2, NM_001374273.1); c.521C>T, p.Ser174Phe (NM_001374274.1); c.1265C>T, p.Ser422Phe (NM_002052.5); short protein forms S422F, S216F, S423F, S174F.
Identifiers: ClinVar variation 452571 (VCV000452571.2), dbSNP rs1343825404, ClinGen allele CA370315764.